The following is an entry in ClinVar:

NM_015909.4(NBAS):c.2936A>T (p.Asp979Val)

Gene: NBAS (NBAS subunit of NRZ tethering complex; minus strand). Cytogenetic location: 2p24.3.
Variant type: single nucleotide variant.
Coding change: c.2936A>T on transcript NM_015909.4 (MANE Select); coding-DNA position 2936, A replaced by T.
Protein change: p.Asp979Val; replaces aspartic acid 979 with valine.
Molecular consequence: missense variant. On other transcripts: non-coding transcript variant (1).
Genome position (GRCh38, 1-based): chr2:15,415,547, T>A on the plus strand (A>T on the coding strand, the complement: NBAS is on the minus strand). VCF-style: chr2-15415547-T-A. GRCh37 (hg19) VCF-style: chr2-15555671-T-A.
Other names: short protein forms D979V.
Identifiers: ClinVar variation 2115009 (VCV002115009.5), dbSNP rs776271105, ClinGen allele CA345885401.

ClinVar aggregate classification (germline): Uncertain significance. Review status: criteria provided, single submitter (1 of 4 stars). 2 submissions from 2 submitters: Uncertain significance (1). 1 of the submissions does not count toward it. Last evaluated 2023-01-27.

Conditions:
Optic atrophy. Identifiers: MedGen C0029124, MONDO:0003608, HP:0000648.

gnomAD v4.1: 4 of 1,613,960 alleles (0.00025%); highest among the groups gnomAD compares: Non-Finnish European, 0.00034%; no homozygotes.

Submissions (2):

Labcorp Genetics (formerly Invitae), Labcorp
Classification: Uncertain significance. Last evaluated: 2023-01-27. Review status: criteria provided, single submitter. Criteria: Invitae Variant Classification Sherloc (09022015). Collection method: clinical testing. Allele origin: germline.
Comment: In summary, the available evidence is currently insufficient to determine the role of this variant in disease. Therefore, it has been classified as a Variant of Uncertain Significance. Algorithms developed to predict the effect of missense changes on protein structure and function (SIFT, PolyPhen-2, Align-GVGD) all suggest that this variant is likely to be disruptive. This variant has not been reported in the literature in individuals affected with NBAS-related conditions. This variant is present in population databases (no rsID available, gnomAD 0.0009%). This sequence change replaces aspartic acid, which is acidic and polar, with valine, which is neutral and non-polar, at codon 979 of the NBAS protein (p.Asp979Val).

Institute of Human Genetics, Univ. Regensburg, Univ. Regensburg
Classification: Uncertain significance for Optic atrophy. Last evaluated: 2022-01-01. Review status: no assertion criteria provided. Criteria: ACMG Guidelines, 2015. Collection method: clinical testing. Allele origin: germline. Affected: yes. Not counted in ClinVar's aggregate classification.